The following is an entry in ClinVar:

NM_016006.6(ABHD5):c.327A>G (p.Leu109=)

Gene: ABHD5 (abhydrolase domain containing 5, lysophosphatidic acid acyltransferase; plus strand). Cytogenetic location: 3p21.33.
Variant type: single nucleotide variant.
Coding change: c.327A>G on transcript NM_016006.6 (MANE Select); coding-DNA position 327, A replaced by G.
Protein change: p.Leu109=; no amino-acid change (leucine 109 retained).
Molecular consequence: synonymous variant. On other transcripts: non-coding transcript variant (1).
Genome position (GRCh38, 1-based): chr3:43,702,408, A>G. VCF-style: chr3-43702408-A-G. GRCh37 (hg19) VCF-style: chr3-43743900-A-G.
Other names: c.327A>G, p.Leu109= (NM_001355186.2, NM_001365650.1); c.204A>G, p.Leu68= (NM_001365649.1); c.327A>G (NM_016006.4).
Identifiers: ClinVar variation 2148772 (VCV002148772.5), dbSNP rs754576816, ClinGen allele CA2341316.

ClinVar aggregate classification (germline): Likely benign. Review status: criteria provided, multiple submitters, no conflicts (2 of 4 stars). 2 submissions from 2 submitters: Likely benign (2). Last evaluated 2026-07-22.

Conditions:
ABHD5-related disorder. Also called: ABHD5-related condition.

Allele frequency attached by ClinVar (database versions not stated): gnomAD 0.00003; gnomAD exomes 0.00004; ExAC 0.00007.
gnomAD v4.1: 72 of 1,614,212 alleles (0.0045%); highest among the groups gnomAD compares: East Asian, 0.071%; no homozygotes.

Submissions (2):

PreventionGenetics, part of Exact Sciences
Classification: Likely benign for ABHD5-related condition. Last evaluated: 2026-07-22. Review status: criteria provided, single submitter. Criteria: ACMG Guidelines, 2015. Collection method: clinical testing. Allele origin: germline.
Comment: This variant is classified as likely benign based on ACMG/AMP sequence variant interpretation guidelines (Richards et al. 2015 PMID: 25741868, with internal and published modifications).

Labcorp Genetics (formerly Invitae), Labcorp
Classification: Likely benign. Last evaluated: 2025-03-19. Review status: criteria provided, single submitter. Criteria: Invitae Variant Classification Sherloc (09022015). Collection method: clinical testing. Allele origin: germline.